The following is an entry in ClinVar:

NM_000255.4(MMUT):c.1065_1068dup (p.Ser357fs)

Gene: MMUT (methylmalonyl-CoA mutase; minus strand). Cytogenetic location: 6p12.3.
Variant type: Duplication.
Coding change: c.1065_1068dup on transcript NM_000255.4 (MANE Select); coding-DNA positions 1065 to 1068, 4 bases duplicated (ATGG; older notation c.1065_1068dupATGG).
Protein change: p.Ser357fs; shifts the reading frame from serine 357.
Molecular consequence: frameshift variant.
Genome position (GRCh38, 1-based): chr6:49,453,600-49,453,603, CCAT duplicated on the plus strand (ATGG on the coding strand, the reverse complement: MMUT is on the minus strand); duplicating any 4 consecutive bases within chr6:49,453,600-49,453,606 gives the same sequence; the c. name uses the placement nearest the transcript's 3' end. VCF-style (leftmost placement, unchanged base first): chr6-49453599-A-ACCAT. GRCh37 (hg19) VCF-style: chr6-49421312-A-ACCAT.
Other names: c.1065_1068dupATGG (NM_000255.3); short protein forms S357fs.
Identifiers: ClinVar variation 280817 (VCV000280817.3), dbSNP rs886041957, ClinGen allele CA10602989.

ClinVar aggregate classification (germline): Pathogenic (1 of 4 stars; one submission).

Submission:

GeneDx
Classification: Pathogenic. Last evaluated: 2020-10-19. Review status: criteria provided, single submitter. Criteria: GeneDx Variant Classification Process June 2021. Collection method: clinical testing. Allele origin: germline. Affected: yes.
Comment: Not observed in large population cohorts (Lek et al., 2016); Frameshift variant predicted to result in protein truncation or nonsense mediated decay in a gene for which loss-of-function is a known mechanism of disease; This variant is associated with the following publications: (PMID: 27233228)